The following is an entry in ClinVar:

NM_000051.4(ATM):c.7859T>C (p.Val2620Ala)

Genes: ATM (ATM serine/threonine kinase; plus strand), C11orf65 (chromosome 11 open reading frame 65; minus strand). Cytogenetic location: 11q22.3.
Variant type: single nucleotide variant.
Coding change: c.7859T>C on transcript NM_000051.4 (MANE Select); coding-DNA position 7859, T replaced by C.
Protein change: p.Val2620Ala; replaces valine 2620 with alanine.
Molecular consequence: missense variant. On other transcripts: intron variant (2).
Genome position (GRCh38, 1-based): chr11:108,332,832, T>C. VCF-style: chr11-108332832-T-C. GRCh37 (hg19) VCF-style: chr11-108203559-T-C.
Other names: c.7859T>C, p.Val2620Ala (NM_001351834.2); c.641-23761A>G (NM_001330368.2); c.*38+2388A>G (NM_001351110.2); short protein forms V2620A.
Identifiers: ClinVar variation 2568163 (VCV002568163.5), dbSNP rs2136567379, ClinGen allele CA382561389.

ClinVar aggregate classification (germline): Uncertain significance. Review status: criteria provided, multiple submitters, no conflicts (2 of 4 stars). 2 submissions from 2 submitters: Uncertain significance (2). Last evaluated 2025-08-26.

Conditions:
Hereditary cancer-predisposing syndrome. Also called: Hereditary Cancer Syndrome; Hereditary neoplastic syndrome; Neoplastic Syndromes, Hereditary; Tumor predisposition. Identifiers: Orphanet 140162, MedGen C0027672, MeSH D009386, MONDO:0015356.
Ataxia-telangiectasia syndrome (AT). Also called: LOUIS-BAR SYNDROME; Cerebello-oculocutaneous telangiectasia; Immunodeficiency with ataxia telangiectasia; Ataxia-telangiectasia, complementation group E; Ataxia-telangiectasia, complementation group D; AT, COMPLEMENTATION GROUP C. Identifiers: Orphanet 100, MedGen C0004135, MONDO:0008840, OMIM 208900.

gnomAD v4.1: 2 of 1,613,296 alleles (0.00012%); highest among the groups gnomAD compares: South Asian, 0.0011%; no homozygotes.

Submissions (2):

Labcorp Genetics (formerly Invitae), Labcorp
Classification: Uncertain significance for Ataxia-telangiectasia syndrome. Last evaluated: 2025-08-26. Review status: criteria provided, single submitter. Criteria: Invitae Variant Classification Sherloc (09022015). Collection method: clinical testing. Allele origin: germline.
Comment: This sequence change replaces valine, which is neutral and non-polar, with alanine, which is neutral and non-polar, at codon 2620 of the ATM protein (p.Val2620Ala). This variant is not present in population databases (gnomAD no frequency). This variant has not been reported in the literature in individuals affected with ATM-related conditions. ClinVar contains an entry for this variant (Variation ID: 2568163). Invitae Evidence Modeling of protein sequence and biophysical properties (such as structural, functional, and spatial information, amino acid conservation, physicochemical variation, residue mobility, and thermodynamic stability) indicates that this missense variant is not expected to disrupt ATM protein function with a negative predictive value of 95%. In summary, the available evidence is currently insufficient to determine the role of this variant in disease. Therefore, it has been classified as a Variant of Uncertain Significance.

Ambry Genetics
Classification: Uncertain significance for Hereditary cancer-predisposing syndrome. Last evaluated: 2023-03-30. Review status: criteria provided, single submitter. Criteria: Ambry Variant Classification Scheme 2023. Collection method: clinical testing. Allele origin: germline.
Comment: The p.V2620A variant (also known as c.7859T>C), located in coding exon 52 of the ATM gene, results from a T to C substitution at nucleotide position 7859. The valine at codon 2620 is replaced by alanine, an amino acid with similar properties. This amino acid position is not well conserved in available vertebrate species. In addition, the in silico prediction for this alteration is inconclusive. Since supporting evidence is limited at this time, the clinical significance of this alteration remains unclear.